The following is an entry in ClinVar:

NM_030962.4(SBF2):c.3979-4G>A

Gene: SBF2 (SET binding factor 2; minus strand). Cytogenetic location: 11p15.4.
Variant type: single nucleotide variant.
Coding change: c.3979-4G>A on transcript NM_030962.4 (MANE Select); 4 bases into the intron before coding-DNA position 3979, G replaced by A.
Molecular consequence: intron variant.
Genome position (GRCh38, 1-based): chr11:9,812,712, C>T on the plus strand (G>A on the coding strand, the complement: SBF2 is on the minus strand). VCF-style: chr11-9812712-C-T. GRCh37 (hg19) VCF-style: chr11-9834259-C-T.
Other names: c.3850-4G>A (NM_001386342.1); c.4075-4G>A (NM_001386339.1).
Identifiers: ClinVar variation 703798 (VCV000703798.14), dbSNP rs375742620, ClinGen allele CA5881082.

ClinVar aggregate classification (germline): Conflicting classifications of pathogenicity. Review status: criteria provided, conflicting classifications (1 of 4 stars). 4 submissions from 4 submitters: Uncertain significance (1); Likely benign (2). 1 of the submissions does not count toward it. Last evaluated 2025-09-04.

Conditions:
SBF2-related disorder. Also called: SBF2-related condition.
Inborn genetic diseases. Identifiers: MedGen C0950123, MeSH D030342.
Charcot-Marie-Tooth disease type 4. Also called: Charcot-Marie-Tooth, Type 4; Charcot-Marie-Tooth disease, type IV. Identifiers: Orphanet 64749, MedGen C4082197, MONDO:0018995.

Allele frequency attached by ClinVar (database versions not stated): 1000 Genomes Project 30x 0.00031; ESP Exome Variant Server 0.00031; TOPMed 0.00033; 1000 Genomes Project 0.00040.
gnomAD v4.1: 85 of 1,613,846 alleles (0.0053%); highest among the groups gnomAD compares: African/African-American, 0.083%; no homozygotes.

Submissions (4):

Labcorp Genetics (formerly Invitae), Labcorp
Classification: Likely benign for Charcot-Marie-Tooth disease type 4. Last evaluated: 2025-09-04. Review status: criteria provided, single submitter. Criteria: Invitae Variant Classification Sherloc (09022015). Collection method: clinical testing. Allele origin: germline.

Blueprint Genetics
Classification: Likely benign. Last evaluated: 2023-07-31. Review status: criteria provided, single submitter. Criteria: ACMG Guidelines, 2015. Collection method: clinical testing. Allele origin: germline.

Ambry Genetics
Classification: Uncertain significance for Inborn genetic diseases. Last evaluated: 2020-04-14. Review status: criteria provided, single submitter. Criteria: Ambry Variant Classification Scheme 2023. Collection method: clinical testing. Allele origin: germline.
Comment: The c.3979-4G>A intronic variant results from a G to A substitution 4 nucleotides upstream from coding exon 30 in the SBF2 gene. This nucleotide position is poorly conserved in available vertebrate species. Using the BDGP and ESEfinder splice site prediction tools, this alteration is not predicted to have any significant effect on this splice acceptor site; however, direct evidence is unavailable. Since supporting evidence is limited at this time, the clinical significance of this alteration remains unclear.

PreventionGenetics, part of Exact Sciences
Classification: Likely benign for SBF2-related condition. Last evaluated: 2021-03-05. Review status: no assertion criteria provided. Collection method: clinical testing. Allele origin: germline. Not counted in ClinVar's aggregate classification.
Comment: This variant is classified as likely benign based on ACMG/AMP sequence variant interpretation guidelines (Richards et al. 2015 PMID: 25741868, with internal and published modifications).